The following is an entry in ClinVar:

NM_001349798.2(FBXW7):c.501+28946G>A

Gene: FBXW7 (F-box and WD repeat domain containing 7; minus strand). Cytogenetic location: 4q31.3.
Variant type: single nucleotide variant.
Coding change: c.501+28946G>A on transcript NM_001349798.2 (MANE Select); 28946 bases into the intron after coding-DNA position 501, G replaced by A.
Molecular consequence: intron variant. On other transcripts: 5 prime UTR variant (1).
Genome position (GRCh38, 1-based): chr4:152,382,357, C>T on the plus strand (G>A on the coding strand, the complement: FBXW7 is on the minus strand). VCF-style: chr4-152382357-C-T. GRCh37 (hg19) VCF-style: chr4-153303509-C-T.
Other names: c.-22G>A (NM_001013415.2); c.501+28946G>A (NM_033632.3).
Identifiers: ClinVar variation 2655131 (VCV002655131.24), dbSNP rs75360200, ClinGen allele CA3106495.
Genomic context (GRCh38, chr4:152,382,357, plus strand): 5'-CAAGCCATGGTTTAGAGTAGGTTTTCCCGGTTTTGACATTTTAAAACTCCTCTTGGTTGA[C>T]GAATACTCTCTACATGTAATACAGGCACATTACTAAAAGCTCTAACCACTAAATTTTAAA-3'

ClinVar aggregate classification (germline): Benign (1 of 4 stars; one submission).

Allele frequency attached by ClinVar (database versions not stated): 1000 Genomes Project 30x 0.00437; 1000 Genomes Project 0.00459; TOPMed 0.00601; ESP Exome Variant Server 0.00753; gnomAD 0.00773; ExAC 0.00810; gnomAD exomes 0.00970.
gnomAD v4.1: 14,677 of 1,547,616 alleles (0.95%); highest among the groups gnomAD compares: Non-Finnish European, 1.1%; 104 homozygotes.

Submission:

CeGaT Center for Human Genetics Tuebingen
Classification: Benign. Last evaluated: 2026-09-01. Review status: criteria provided, single submitter. Criteria: CeGaT Center For Human Genetics Tuebingen Variant Classification Criteria Version 2. Collection method: clinical testing. Allele origin: germline. Affected: yes. Observed: 33 variant alleles.
Comment: FBXW7: BS1, BS2